The following is an entry in ClinVar:

NM_014679.5(CEP57):c.599C>T (p.Thr200Ile)

Gene: CEP57 (centrosomal protein 57; plus strand). Cytogenetic location: 11q21.
Variant type: single nucleotide variant.
Coding change: c.599C>T on transcript NM_014679.5 (MANE Select); coding-DNA position 599, C replaced by T.
Protein change: p.Thr200Ile; replaces threonine 200 with isoleucine.
Molecular consequence: missense variant.
Genome position (GRCh38, 1-based): chr11:95,817,881, C>T. VCF-style: chr11-95817881-C-T. GRCh37 (hg19) VCF-style: chr11-95551045-C-T.
Other names: c.572C>T, p.Thr191Ile (NM_001243776.2); c.599C>T, p.Thr200Ile (NM_001243777.2); c.518C>T, p.Thr173Ile (NM_001363604.2); short protein forms T200I, T173I, T191I.
Identifiers: ClinVar variation 2916733 (VCV002916733.3), dbSNP rs757212650, ClinGen allele CA226632394.

ClinVar aggregate classification (germline): Uncertain significance (1 of 4 stars; one submission).

Conditions:
Mosaic variegated aneuploidy syndrome 2 (MVA2). Identifiers: Orphanet 1052, MedGen C3279843, MONDO:0013582, OMIM 614114.

Allele frequency attached by ClinVar (database versions not stated): gnomAD 0.00001.
gnomAD v4.1: 2 of 1,611,850 alleles (0.00012%); highest among the groups gnomAD compares: Non-Finnish European, 0.00017%; no homozygotes.

Submission:

Labcorp Genetics (formerly Invitae), Labcorp
Classification: Uncertain significance for Mosaic variegated aneuploidy syndrome 2. Last evaluated: 2022-11-04. Review status: criteria provided, single submitter. Criteria: Invitae Variant Classification Sherloc (09022015). Collection method: clinical testing. Allele origin: germline.
Comment: In summary, the available evidence is currently insufficient to determine the role of this variant in disease. Therefore, it has been classified as a Variant of Uncertain Significance. Advanced modeling of protein sequence and biophysical properties (such as structural, functional, and spatial information, amino acid conservation, physicochemical variation, residue mobility, and thermodynamic stability) performed at Invitae indicates that this missense variant is not expected to disrupt CEP57 protein function. This variant has not been reported in the literature in individuals affected with CEP57-related conditions. This variant is not present in population databases (gnomAD no frequency). This sequence change replaces threonine, which is neutral and polar, with isoleucine, which is neutral and non-polar, at codon 200 of the CEP57 protein (p.Thr200Ile).